The following is an entry in ClinVar:

NM_003982.4(SLC7A7):c.257G>A (p.Gly86Glu)

Gene: SLC7A7 (solute carrier family 7 member 7; minus strand). Cytogenetic location: 14q11.2.
Variant type: single nucleotide variant.
Coding change: c.257G>A on transcript NM_003982.4 (MANE Select); coding-DNA position 257, G replaced by A.
Protein change: p.Gly86Glu; replaces glycine 86 with glutamic acid.
Molecular consequence: missense variant.
Genome position (GRCh38, 1-based): chr14:22,813,142, C>T on the plus strand (G>A on the coding strand, the complement: SLC7A7 is on the minus strand). VCF-style: chr14-22813142-C-T. GRCh37 (hg19) VCF-style: chr14-23282351-C-T.
Other names: c.257G>A, p.Gly86Glu (NM_001126105.3, NM_001126106.4); short protein forms G86E.
Identifiers: ClinVar variation 3769388 (VCV003769388.2).

ClinVar aggregate classification (germline): Uncertain significance (1 of 4 stars; one submission).

Submission:

Women's Health and Genetics/Laboratory Corporation of America, LabCorp
Classification: Uncertain significance. Last evaluated: 2025-01-27. Review status: criteria provided, single submitter. Criteria: LabCorp Variant Classification Summary - May 2015. Collection method: clinical testing. Allele origin: germline.
Comment: Variant summary: SLC7A7 c.257G>A (p.Gly86Glu) results in a non-conservative amino acid change in the encoded protein sequence. Five of five in-silico tools predict a damaging effect of the variant on protein function. The variant was absent in 251430 control chromosomes. c.257G>A has been reported in the literature in a homozygous individual affected with Lysinuric Protein Intolerance (Avci Durmusalioglu_2021). These data indicate that the variant may be associated with disease. To our knowledge, no experimental evidence demonstrating an impact on protein function has been reported. The following publication have been ascertained in the context of this evaluation (PMID: 33823103). No submitters have cited clinical-significance assessments for this variant to ClinVar. Based on the evidence outlined above, the variant was classified as VUS-possibly pathogenic.

Literature cited by the submitters: PubMed 33823103.